The following is an entry in ClinVar:

ClinVar aggregate classification (germline): Pathogenic (1 of 4 stars; one submission).

Conditions:
Cardiovascular phenotype. Identifiers: MedGen CN230736.
Hereditary cancer-predisposing syndrome. Also called: Neoplastic Syndromes, Hereditary; Tumor predisposition; Hereditary Cancer Syndrome; Hereditary neoplastic syndrome. Identifiers: Orphanet 140162, MedGen C0027672, MeSH D009386, MONDO:0015356.

Submission:

Ambry Genetics
Classification: Pathogenic for Cardiovascular phenotype; Hereditary cancer-predisposing syndrome. Last evaluated: 2022-03-22. Review status: criteria provided, single submitter. Criteria: Ambry Variant Classification Scheme 2023. Collection method: clinical testing. Allele origin: germline.
Comment: The c.1726delC pathogenic mutation, located in coding exon 15 of the LZTR1 gene, results from a deletion of one nucleotide at nucleotide position 1726, causing a translational frameshift with a predicted alternate stop codon (p.L576Cfs*16). This alteration is expected to result in loss of function by premature protein truncation or nonsense-mediated mRNA decay. Loss-of-function variants in LZTR1 are related to an increased risk for schwannomas and autosomal recessive Noonan syndrome; however, such associations with autosomal dominant Noonan syndrome have not been observed (Piotrowski A et al. Nat Genet. 2014 Feb;46:182-7; Yamamoto GL et al. J Med Genet. 2015 Jun;52:413-21; Johnston JJ et al. Genet Med. 2018 10;20:1175-1185). Based on the supporting evidence, this variant is pathogenic for an increased risk of LZTR1-related schwannomatosis (SWN) and would be expected to cause autosomal recessive Noonan syndrome when present along with a second pathogenic or likely pathogenic variant on the other allele; however, the association of this alteration with autosomal dominant Noonan syndrome is unlikely.

NM_006767.4(LZTR1):c.1726del (p.Leu576fs)

Gene: LZTR1 (leucine zipper like post translational regulator 1; plus strand). Cytogenetic location: 22q11.21.
Variant type: Deletion.
Coding change: c.1726del on transcript NM_006767.4 (MANE Select); coding-DNA position 1726, one base deleted (C; older notation c.1726delC).
Protein change: p.Leu576fs; shifts the reading frame from leucine 576.
Molecular consequence: frameshift variant.
Genome position (GRCh38, 1-based): chr22:20,994,668, C deleted; the last of 2 consecutive C bases (chr22:20,994,667-20,994,668); deleting either gives the same sequence. VCF-style (leftmost placement, unchanged base first): chr22-20994666-AC-A. GRCh37 (hg19) VCF-style: chr22-21348955-AC-A.
Other names: short protein forms L576fs.
Identifiers: ClinVar variation 1778865 (VCV001778865.2), dbSNP rs2518621901, ClinGen allele CA2580099219.